The following is an entry in ClinVar:

NM_144701.3(IL23R):c.1873T>C (p.Ser625Pro)

Gene: IL23R (interleukin 23 receptor; plus strand). Cytogenetic location: 1p31.3.
Variant type: single nucleotide variant.
Coding change: c.1873T>C on transcript NM_144701.3 (MANE Select); coding-DNA position 1873, T replaced by C.
Protein change: p.Ser625Pro; replaces serine 625 with proline.
Molecular consequence: missense variant.
Genome position (GRCh38, 1-based): chr1:67,259,111, T>C. VCF-style: chr1-67259111-T-C. GRCh37 (hg19) VCF-style: chr1-67724794-T-C.
Other names: short protein forms S625P.
Identifiers: ClinVar variation 3528759 (VCV003528759.2).

ClinVar aggregate classification (germline): Uncertain significance. Review status: criteria provided, multiple submitters, no conflicts (2 of 4 stars). 2 submissions from 2 submitters: Uncertain significance (2). Last evaluated 2025-06-27.

gnomAD v4.1: 23 of 1,613,794 alleles (0.0014%); highest among the groups gnomAD compares: South Asian, 0.024%; no homozygotes.

Submissions (2):

Labcorp Genetics (formerly Invitae), Labcorp
Classification: Uncertain significance. Last evaluated: 2025-06-27. Review status: criteria provided, single submitter. Criteria: Invitae Variant Classification Sherloc (09022015). Collection method: clinical testing. Allele origin: germline.
Comment: This sequence change replaces serine, which is neutral and polar, with proline, which is neutral and non-polar, at codon 625 of the IL23R protein (p.Ser625Pro). This variant is present in population databases (rs779703262, gnomAD 0.03%). This variant has not been reported in the literature in individuals affected with IL23R-related conditions. ClinVar contains an entry for this variant (Variation ID: 3528759). An algorithm developed to predict the effect of missense changes on protein structure and function (PolyPhen-2) suggests that this variant is likely to be disruptive. In summary, the available evidence is currently insufficient to determine the role of this variant in disease. Therefore, it has been classified as a Variant of Uncertain Significance.

Ambry Genetics
Classification: Uncertain significance. Last evaluated: 2024-10-04. Review status: criteria provided, single submitter. Criteria: Ambry Variant Classification Scheme 2023. Collection method: clinical testing. Allele origin: germline.